The following is an entry in ClinVar:

ClinVar aggregate classification (germline): Uncertain significance (1 of 4 stars; one submission).

Conditions:
Charcot-Marie-Tooth disease type 2. Also called: Charcot-Marie-Tooth type 2. Identifiers: Orphanet 64746, MedGen C0270914, MONDO:0018993.

Allele frequency attached by ClinVar (database versions not stated): gnomAD exomes below 0.00001; ExAC 0.00001.
gnomAD v4.1: 6 of 1,614,210 alleles (0.00037%); highest among the groups gnomAD compares: Admixed American, 0.0017%; no homozygotes.

Submission:

Labcorp Genetics (formerly Invitae), Labcorp
Classification: Uncertain significance for Charcot-Marie-Tooth disease type 2. Last evaluated: 2025-05-07. Review status: criteria provided, single submitter. Criteria: Invitae Variant Classification Sherloc (09022015). Collection method: clinical testing. Allele origin: germline.
Comment: This sequence change replaces valine, which is neutral and non-polar, with alanine, which is neutral and non-polar, at codon 350 of the AARS protein (p.Val350Ala). This variant is present in population databases (rs775444020, gnomAD 0.003%). This variant has not been reported in the literature in individuals affected with AARS-related conditions. ClinVar contains an entry for this variant (Variation ID: 2157234). Invitae Evidence Modeling of protein sequence and biophysical properties (such as structural, functional, and spatial information, amino acid conservation, physicochemical variation, residue mobility, and thermodynamic stability) indicates that this missense variant is not expected to disrupt AARS protein function with a negative predictive value of 95%. In summary, the available evidence is currently insufficient to determine the role of this variant in disease. Therefore, it has been classified as a Variant of Uncertain Significance.

NM_001605.3(AARS1):c.1049T>C (p.Val350Ala)

Gene: AARS1 (alanyl-tRNA synthetase 1; minus strand). Cytogenetic location: 16q22.1.
Variant type: single nucleotide variant.
Coding change: c.1049T>C on transcript NM_001605.3 (MANE Select); coding-DNA position 1049, T replaced by C.
Protein change: p.Val350Ala; replaces valine 350 with alanine.
Molecular consequence: missense variant.
Genome position (GRCh38, 1-based): chr16:70,268,293, A>G on the plus strand (T>C on the coding strand, the complement: AARS1 is on the minus strand). VCF-style: chr16-70268293-A-G. GRCh37 (hg19) VCF-style: chr16-70302196-A-G.
Other names: short protein forms V350A.
Identifiers: ClinVar variation 2157234 (VCV002157234.4), dbSNP rs775444020, ClinGen allele CA8140944.